The following is an entry in ClinVar:

NM_000138.5(FBN1):c.8134C>T (p.Pro2712Ser)

Gene: FBN1 (fibrillin 1; minus strand). Cytogenetic location: 15q21.1.
Variant type: single nucleotide variant.
Coding change: c.8134C>T on transcript NM_000138.5 (MANE Select); coding-DNA position 8134, C replaced by T.
Protein change: p.Pro2712Ser; replaces proline 2712 with serine.
Molecular consequence: missense variant.
Genome position (GRCh38, 1-based): chr15:48,412,661, G>A on the plus strand (C>T on the coding strand, the complement: FBN1 is on the minus strand). VCF-style: chr15-48412661-G-A. GRCh37 (hg19) VCF-style: chr15-48704858-G-A.
Other names: c.8134C>T, p.Pro2712Ser (NM_001406716.1); short protein forms P2712S.
Identifiers: ClinVar variation 3073966 (VCV003073966.1), dbSNP rs2505375541, ClinGen allele CA392321228.

ClinVar aggregate classification (germline): Uncertain significance (1 of 4 stars; one submission).

Conditions:
Marfan syndrome (MFS). Also called: MARFAN SYNDROME, TYPE I; Marfan syndrome type 1; Marfan's syndrome; Marfan syndrome, classic; FBN1-Related Marfan Syndrome. Identifiers: Orphanet 284963, Orphanet 558, MedGen C0024796, MONDO:0007947, OMIM 154700.

Submission:

All of Us Research Program, National Institutes of Health
Classification: Uncertain significance for Marfan syndrome. Last evaluated: 2023-11-27. Review status: criteria provided, single submitter. Criteria: ACMG Guidelines, 2015. Collection method: clinical testing. Allele origin: germline. Inheritance: Autosomal dominant inheritance. Observed: 1 variant allele, 1 heterozygote.
Comment: This study involves interpretation of variants in research participants for the purpose of population health screening. Participant phenotype was not available at the time of variant classification. Additional details can be found in publication PMID: 35346344, PMCID: PMC8962531